The following is an entry in ClinVar:

ClinVar aggregate classification (germline): Conflicting classifications of pathogenicity. Review status: criteria provided, conflicting classifications (1 of 4 stars). 6 submissions from 6 submitters: Uncertain significance (4); Likely benign (2). Last evaluated 2026-01-12.

Conditions:
Autosomal recessive spastic paraplegia type 78. Identifiers: Orphanet 513436, MedGen C5567893, MONDO:0014975, OMIM 617225.
Kufor-Rakeb syndrome (KRS). Also called: PARKINSON DISEASE 9, AUTOSOMAL RECESSIVE, JUVENILE-ONSET. Identifiers: Orphanet 306674, Orphanet 314632, MedGen C1847640, MONDO:0011706, OMIM 606693.
Inborn genetic diseases. Identifiers: MedGen C0950123, MeSH D030342.

Allele frequency attached by ClinVar (database versions not stated): TOPMed 0.00006; ESP Exome Variant Server 0.00008; gnomAD 0.00008 and 0.00009; ExAC 0.00013; gnomAD exomes 0.00013; 1000 Genomes Project 30x 0.00016; 1000 Genomes Project 0.00020.
gnomAD v4.1: 165 of 1,609,526 alleles (0.01%); highest among the groups gnomAD compares: Non-Finnish European, 0.01%; no homozygotes.

Submissions (6):

Labcorp Genetics (formerly Invitae), Labcorp
Classification: Likely benign for Kufor-Rakeb syndrome; Autosomal recessive spastic paraplegia type 78. Last evaluated: 2026-01-12. Review status: criteria provided, single submitter. Criteria: Invitae Variant Classification Sherloc (09022015). Collection method: clinical testing. Allele origin: germline.

Ambry Genetics
Classification: Likely benign for Inborn genetic diseases. Last evaluated: 2025-03-24. Review status: criteria provided, single submitter. Criteria: Ambry Variant Classification Scheme 2023. Collection method: clinical testing. Allele origin: germline.

Blueprint Genetics
Classification: Uncertain significance. Last evaluated: 2024-11-06. Review status: criteria provided, single submitter. Criteria: ACMG Guidelines, 2015. Collection method: clinical testing. Allele origin: germline.

GeneDx
Classification: Uncertain significance. Last evaluated: 2023-04-12. Review status: criteria provided, single submitter. Criteria: GeneDx Variant Classification Process June 2021. Collection method: clinical testing. Allele origin: germline. Affected: yes.
Comment: In silico analysis supports that this missense variant has a deleterious effect on protein structure/function; Has not been previously published as pathogenic or benign to our knowledge

Fulgent Genetics
Classification: Uncertain significance for Kufor-Rakeb syndrome; Autosomal recessive spastic paraplegia type 78. Last evaluated: 2022-03-15. Review status: criteria provided, single submitter. Criteria: ACMG Guidelines, 2015. Collection method: clinical testing. Allele origin: unknown.

CeGaT Center for Human Genetics Tuebingen
Classification: Uncertain significance. Last evaluated: 2019-09-01. Review status: criteria provided, single submitter. Criteria: CeGaT Center For Human Genetics Tuebingen Variant Classification Criteria Version 2. Collection method: clinical testing. Allele origin: germline. Affected: yes. Observed: 1 variant allele.

NM_022089.4(ATP13A2):c.3518C>T (p.Pro1173Leu)

Gene: ATP13A2 (ATPase cation transporting 13A2; minus strand). Cytogenetic location: 1p36.13.
Variant type: single nucleotide variant.
Coding change: c.3518C>T on transcript NM_022089.4 (MANE Select); coding-DNA position 3518, C replaced by T.
Protein change: p.Pro1173Leu; replaces proline 1173 with leucine.
Molecular consequence: missense variant. On other transcripts: synonymous variant (1).
Genome position (GRCh38, 1-based): chr1:16,986,246, G>A on the plus strand (C>T on the coding strand, the complement: ATP13A2 is on the minus strand). VCF-style: chr1-16986246-G-A. GRCh37 (hg19) VCF-style: chr1-17312741-G-A.
Other names: c.3503C>T, p.Pro1168Leu (NM_001141973.3); c.3216C>T, p.Ala1072= (NM_001141974.3); c.3518C>T (NM_022089.2); short protein forms P1173L, P1168L.
Identifiers: ClinVar variation 856355 (VCV000856355.49), dbSNP rs372995036, ClinGen allele CA636462.